The following is an entry in ClinVar:

NM_001042492.3(NF1):c.7937C>A (p.Ala2646Asp)

Gene: NF1 (neurofibromin 1; plus strand). Cytogenetic location: 17q11.2.
Variant type: single nucleotide variant.
Coding change: c.7937C>A on transcript NM_001042492.3 (MANE Select); coding-DNA position 7937, C replaced by A.
Protein change: p.Ala2646Asp; replaces alanine 2646 with aspartic acid.
Molecular consequence: missense variant.
Genome position (GRCh38, 1-based): chr17:31,357,336, C>A. VCF-style: chr17-31357336-C-A. GRCh37 (hg19) VCF-style: chr17-29684354-C-A.
Other names: c.7874C>A, p.Ala2625Asp (NM_000267.4); short protein forms A2625D, A2646D.
Identifiers: ClinVar variation 3769735 (VCV003769735.1).

ClinVar aggregate classification (germline): Uncertain significance (1 of 4 stars; one submission).

Submission:

GeneDx
Classification: Uncertain significance. Last evaluated: 2024-09-13. Review status: criteria provided, single submitter. Criteria: GeneDx Variant Classification Process June 2021. Collection method: clinical testing. Allele origin: germline. Affected: yes.
Comment: Not observed at significant frequency in large population cohorts (gnomAD); In silico analysis supports that this missense variant has a deleterious effect on protein structure/function; Has not been previously published as pathogenic or benign to our knowledge; This variant is associated with the following publications: (PMID: 25486365)